The following is an entry in ClinVar:

ClinVar aggregate classification (germline): Uncertain significance. Review status: criteria provided, multiple submitters, no conflicts (2 of 4 stars). 2 submissions from 2 submitters: Uncertain significance (2). Last evaluated 2023-11-01.

Allele frequency attached by ClinVar (database versions not stated): ExAC 0.00002; gnomAD 0.00002; TOPMed 0.00005; ESP Exome Variant Server 0.00008.
gnomAD v4.1: 28 of 1,613,588 alleles (0.0017%); highest among the groups gnomAD compares: Admixed American, 0.005%; no homozygotes.

Submissions (2):

Mayo Clinic Laboratories, Mayo Clinic
Classification: Uncertain significance. Last evaluated: 2023-11-01. Review status: criteria provided, single submitter. Criteria: ACMG Guidelines, 2015. Collection method: clinical testing. Allele origin: germline. Observed: 1 variant allele.
Comment: BP4, PM2_moderate

Labcorp Genetics (formerly Invitae), Labcorp
Classification: Uncertain significance. Last evaluated: 2022-06-07. Review status: criteria provided, single submitter. Criteria: Invitae Variant Classification Sherloc (09022015). Collection method: clinical testing. Allele origin: germline.
Comment: This sequence change replaces arginine, which is basic and polar, with glutamine, which is neutral and polar, at codon 309 of the TBC1D20 protein (p.Arg309Gln). This variant is present in population databases (rs370914731, gnomAD 0.006%). This variant has not been reported in the literature in individuals affected with TBC1D20-related conditions. Algorithms developed to predict the effect of missense changes on protein structure and function (SIFT, PolyPhen-2, Align-GVGD) all suggest that this variant is likely to be tolerated. In summary, the available evidence is currently insufficient to determine the role of this variant in disease. Therefore, it has been classified as a Variant of Uncertain Significance.

NM_144628.4(TBC1D20):c.926G>A (p.Arg309Gln)

Gene: TBC1D20 (TBC1 domain family member 20; minus strand). Cytogenetic location: 20p13.
Variant type: single nucleotide variant.
Coding change: c.926G>A on transcript NM_144628.4 (MANE Select); coding-DNA position 926, G replaced by A.
Protein change: p.Arg309Gln; replaces arginine 309 with glutamine.
Molecular consequence: missense variant. On other transcripts: non-coding transcript variant (1).
Genome position (GRCh38, 1-based): chr20:439,138, C>T on the plus strand (G>A on the coding strand, the complement: TBC1D20 is on the minus strand). VCF-style: chr20-439138-C-T. GRCh37 (hg19) VCF-style: chr20-419782-C-T.
Other names: p.Arg309Gln; short protein forms R309Q.
Identifiers: ClinVar variation 2181716 (VCV002181716.5), dbSNP rs370914731, ClinGen allele CA9723509.